The following is an entry in ClinVar:

ClinVar aggregate classification (germline): Pathogenic (0 of 4 stars; one submission).

Conditions:
Alkaptonuria (AKU). Also called: Alkaptonuric ochronosis; Homogentisic acidura; Alcaptonuria; HOMOGENTISIC ACID OXIDASE DEFICIENCY. Identifiers: Orphanet 56, MedGen C0002066, MONDO:0008753, OMIM 203500.

Submission:

Department Of Human Genetics, Institute Of Clinical And Translational Research, Biomedical Research Center, Slovak Academy Of Sciences
Classification: Pathogenic for Alkaptonuria. Review status: no assertion criteria provided. Collection method: research. Allele origin: germline. Inheritance: Autosomal recessive inheritance. Affected: yes. Observed: 1 variant allele.
Comment: The variant was originally described in AKU patients in PMID: 25681086. It has been submitted to the HGD gene mutation database (DB-ID: AKU_00AKU_00172).

Literature cited by the submitters: PubMed 25681086.

NM_000187.4(HGD):c.733G>T (p.Val245Phe)

Gene: HGD (homogentisate 1,2-dioxygenase; minus strand). Cytogenetic location: 3q13.33.
Variant type: single nucleotide variant.
Coding change: c.733G>T on transcript NM_000187.4 (MANE Select); coding-DNA position 733, G replaced by T.
Protein change: p.Val245Phe; replaces valine 245 with phenylalanine.
Molecular consequence: missense variant.
Genome position (GRCh38, 1-based): chr3:120,644,360, C>A on the plus strand (G>T on the coding strand, the complement: HGD is on the minus strand). VCF-style: chr3-120644360-C-A. GRCh37 (hg19) VCF-style: chr3-120363207-C-A.
Other names: short protein forms V245F.
Identifiers: ClinVar variation 2627693 (VCV002627693.1), dbSNP rs2472689679, ClinGen allele CA354075120.